The following is an entry in ClinVar:

ClinVar aggregate classification (germline): Pathogenic (1 of 4 stars; one submission).

Submission:

Labcorp Genetics (formerly Invitae), Labcorp
Classification: Pathogenic. Last evaluated: 2023-11-06. Review status: criteria provided, single submitter. Criteria: Invitae Variant Classification Sherloc (09022015). Collection method: clinical testing. Allele origin: germline.
Comment: This sequence change creates a premature translational stop signal (p.Leu483Metfs*7) in the CEP152 gene. It is expected to result in an absent or disrupted protein product. Loss-of-function variants in CEP152 are known to be pathogenic (PMID: 21131973). This variant is present in population databases (no rsID available, gnomAD 0.0009%). This variant has not been reported in the literature in individuals affected with CEP152-related conditions. For these reasons, this variant has been classified as Pathogenic.

Literature cited by the submitters: PubMed 21131973.

NM_001194998.2(CEP152):c.1447_1450del (p.Leu483fs)

Gene: CEP152 (centrosomal protein 152; minus strand). Cytogenetic location: 15q21.1.
Variant type: Microsatellite.
Coding change: c.1447_1450del on transcript NM_001194998.2 (MANE Select); coding-DNA positions 1447 to 1450, 4 bases deleted (CTCT; older notation c.1447_1450delCTCT).
Protein change: p.Leu483fs; shifts the reading frame from leucine 483.
Molecular consequence: frameshift variant.
Genome position (GRCh38, 1-based): chr15:48,781,323-48,781,326, AGAG deleted on the plus strand (CTCT on the coding strand, the reverse complement: CEP152 is on the minus strand); deleting any 4 consecutive bases within chr15:48,781,323-48,781,329 gives the same sequence; the c. name uses the placement nearest the transcript's 3' end. VCF-style (leftmost placement, unchanged base first): chr15-48781322-TAGAG-T. GRCh37 (hg19) VCF-style: chr15-49073519-TAGAG-T.
Other names: c.1447_1450del, p.Leu483fs (NM_014985.4); short protein forms L483fs.
Identifiers: ClinVar variation 2713705 (VCV002713705.3), dbSNP rs1040451138, ClinGen allele CA269561598.